The following is an entry in ClinVar:

ClinVar aggregate classification (germline): Uncertain significance (1 of 4 stars; one submission).

Conditions:
Aortic aneurysm, familial thoracic 4 (AAT4). Also called: AORTIC ANEURYSM/AORTIC DISSECTION AND PATENT DUCTUS ARTERIOSUS. Identifiers: MedGen C1851504, MONDO:0007568, OMIM 132900.

gnomAD v4.1: 1 of 1,614,054 alleles (0.000062%); highest among the groups gnomAD compares: Non-Finnish European, 0.000085%; no homozygotes.

Submission:

Labcorp Genetics (formerly Invitae), Labcorp
Classification: Uncertain significance for Aortic aneurysm, familial thoracic 4. Last evaluated: 2026-01-28. Review status: criteria provided, single submitter. Criteria: Invitae Variant Classification Sherloc (09022015). Collection method: clinical testing. Allele origin: germline.
Comment: This sequence change replaces asparagine, which is neutral and polar, with aspartic acid, which is acidic and polar, at codon 709 of the MYH11 protein (p.Asn709Asp). This variant is not present in population databases (gnomAD no frequency). This variant has not been reported in the literature in individuals affected with MYH11-related conditions. Invitae Evidence Modeling of protein sequence and biophysical properties (such as structural, functional, and spatial information, amino acid conservation, physicochemical variation, residue mobility, and thermodynamic stability) has been performed for this missense variant. However, the output from this modeling did not meet the statistical confidence thresholds required to predict the impact of this variant on MYH11 protein function. In summary, the available evidence is currently insufficient to determine the role of this variant in disease. Therefore, it has been classified as a Variant of Uncertain Significance.

NM_002474.3(MYH11):c.2104A>G (p.Asn702Asp)

Gene: MYH11 (myosin heavy chain 11; minus strand). Cytogenetic location: 16p13.11.
Variant type: single nucleotide variant.
Coding change: c.2104A>G on transcript NM_002474.3 (MANE Select); coding-DNA position 2104, A replaced by G.
Protein change: p.Asn702Asp; replaces asparagine 702 with aspartic acid.
Molecular consequence: missense variant.
Genome position (GRCh38, 1-based): chr16:15,748,123, T>C on the plus strand (A>G on the coding strand, the complement: MYH11 is on the minus strand). VCF-style: chr16-15748123-T-C. GRCh37 (hg19) VCF-style: chr16-15841980-T-C.
Other names: c.2125A>G, p.Asn709Asp (NM_001040113.2, NM_001040114.2); c.2104A>G, p.Asn702Asp (NM_022844.3); short protein forms N702D, N709D.
Identifiers: ClinVar variation 4738984 (VCV004738984.1).